The following is an entry in ClinVar:

NM_000474.4(TWIST1):c.23C>A (p.Ser8Ter)

Gene: TWIST1 (twist family bHLH transcription factor 1; minus strand). Cytogenetic location: 7p21.1.
Variant type: single nucleotide variant.
Coding change: c.23C>A on transcript NM_000474.4 (MANE Select); coding-DNA position 23, C replaced by A.
Protein change: p.Ser8Ter; replaces serine 8 with a stop codon.
Molecular consequence: nonsense. On other transcripts: non-coding transcript variant (1).
Genome position (GRCh38, 1-based): chr7:19,117,299, G>T on the plus strand (C>A on the coding strand, the complement: TWIST1 is on the minus strand). VCF-style: chr7-19117299-G-T. GRCh37 (hg19) VCF-style: chr7-19156922-G-T.
Other names: short protein forms S8*.
Identifiers: ClinVar variation 5020098 (VCV005020098.1).

ClinVar aggregate classification (germline): Likely pathogenic (1 of 4 stars; one submission).

Conditions:
TWIST1-related disorder.

Submission:

Division of Genetic & Genomic Pathology, Hong Kong Children's Hospital
Classification: Likely pathogenic for TWIST1-related disorders. Last evaluated: 2025-05-09. Review status: criteria provided, single submitter. Criteria: ACMG Guidelines, 2015. Collection method: clinical testing. Allele origin: germline. Affected: yes.
Comment: TWIST1 c.23C>A p.(Ser8*) is a nonsense variant located in exon 1 (out of 2 exons). It creates a premature stop codon and is predicted to cause loss of normal protein function either by protein truncation or nonsense-mediated mRNA decay. TWIST1 is a known haploinsufficient gene for Saethre-Chotzen syndrome (ClinGen Curation ID: 008070). This variant is absent from population controls (gnomAD v2.1.1 and v4.1.0). It has been detected in a patient with nonsyndromic craniosynostosis (PMID: 33547006). Multiple downstream (likely) pathogenic loss-of-function TWIST1 variants have been deposited in ClinVar. For these reasons, this variant is classified as likely pathogenic.

Literature cited by the submitters: PubMed 33547006.